The following is an entry in ClinVar:

ClinVar aggregate classification (germline): Uncertain significance (1 of 4 stars; one submission).

Allele frequency attached by ClinVar (database versions not stated): gnomAD below 0.00001 and 0.00001; gnomAD exomes below 0.00001.
gnomAD v4.1: 6 of 1,613,504 alleles (0.00037%); highest among the groups gnomAD compares: South Asian, 0.0033%; no homozygotes.

Submission:

GeneDx
Classification: Uncertain significance. Last evaluated: 2016-11-14. Review status: criteria provided, single submitter. Criteria: GeneDx Variant Classification (06012015). Collection method: clinical testing. Allele origin: germline. Affected: yes.
Comment: A variant of uncertain significance has been identified in the CTSD gene. The A337V variant has not been published as a pathogenic variant, nor has it been reported as a benign variant to our knowledge. It was not observed in approximately 6,500 individuals of European and African American ancestry in the NHLBI Exome Sequencing Project, indicating it is not a common benign variant in these populations. The A337V variant is a conservative amino acid substitution, which is not likely to impact secondary protein structure as these residues share similar properties. This substitution occurs at a position that is not conserved, and in silico analysis predicts this variant likely does not alter the protein structure/function. Therefore, based on the currently available information, it is unclear whether this variant is a pathogenic variant or a rare benign variant.

NM_001909.5(CTSD):c.1010C>T (p.Ala337Val)

Gene: CTSD (cathepsin D; minus strand). Cytogenetic location: 11p15.5.
Variant type: single nucleotide variant.
Coding change: c.1010C>T on transcript NM_001909.5 (MANE Select); coding-DNA position 1010, C replaced by T.
Protein change: p.Ala337Val; replaces alanine 337 with valine.
Molecular consequence: missense variant.
Genome position (GRCh38, 1-based): chr11:1,753,864, G>A on the plus strand (C>T on the coding strand, the complement: CTSD is on the minus strand). VCF-style: chr11-1753864-G-A. GRCh37 (hg19) VCF-style: chr11-1775094-G-A.
Other names: short protein forms A337V.
Identifiers: ClinVar variation 373281 (VCV000373281.1), dbSNP rs1057518324, ClinGen allele CA16042835.